The following is an entry in ClinVar:

NM_025114.4(CEP290):c.5873T>C (p.Leu1958Pro)

Gene: CEP290 (centrosomal protein 290; minus strand). Cytogenetic location: 12q21.32.
Variant type: single nucleotide variant.
Coding change: c.5873T>C on transcript NM_025114.4 (MANE Select); coding-DNA position 5873, T replaced by C.
Protein change: p.Leu1958Pro; replaces leucine 1958 with proline.
Molecular consequence: missense variant.
Genome position (GRCh38, 1-based): chr12:88,071,432, A>G on the plus strand (T>C on the coding strand, the complement: CEP290 is on the minus strand). VCF-style: chr12-88071432-A-G. GRCh37 (hg19) VCF-style: chr12-88465209-A-G.
Other names: short protein forms L1958P.
Identifiers: ClinVar variation 1474621 (VCV001474621.8), dbSNP rs2136957996, ClinGen allele CA385984108.
Genomic context (GRCh38, chr12:88,071,432, plus strand): 5'-CGTATTCCCAAAACCTGATCAACAGTCATGCCAGTTGTTTTTAGTTTCCTCTGCAAAGTA[A>G]GTTTCTCTTTATCGGCTCTGTGGAATTTAATATAGAATCATGAAATATACCATTCAGTGT-3'
Protein context (NP_079390.3, residues 1948-1968): DLFAKADKEK[Leu1958Pro]TLQRKLKTTG

ClinVar aggregate classification (germline): Uncertain significance (1 of 4 stars; one submission).

Conditions:
Nephronophthisis. Also called: Juvenile Nephronophthisis. Identifiers: Orphanet 655, MedGen C0687120, MONDO:0019005, HP:0000090.
Meckel-Gruber syndrome. Also called: DYSENCEPHALIA SPLANCHNOCYSTICA; GRUBER SYNDROME; Dysencephalia splachnocystica. Identifiers: Orphanet 564, MedGen C0265215, MONDO:0018921.
Joubert syndrome. Also called: CEREBELLOPARENCHYMAL DISORDER IV; JOUBERT-BOLTSHAUSER SYNDROME; Familial aplasia of the vermis. Identifiers: Orphanet 475, MedGen C5979921, MONDO:0018772.

Allele frequency attached by ClinVar (database versions not stated): gnomAD exomes below 0.00001.
gnomAD v4.1: 1 of 1,608,166 alleles (0.000062%); highest among the groups gnomAD compares: South Asian, 0.0011%; no homozygotes.

Submission:

Labcorp Genetics (formerly Invitae), Labcorp
Classification: Uncertain significance for Joubert syndrome; Meckel-Gruber syndrome; Nephronophthisis. Last evaluated: 2022-07-19. Review status: criteria provided, single submitter. Criteria: Invitae Variant Classification Sherloc (09022015). Collection method: clinical testing. Allele origin: germline.
Comment: ClinVar contains an entry for this variant (Variation ID: 1474621). This variant has not been reported in the literature in individuals affected with CEP290-related conditions. This variant is not present in population databases (gnomAD no frequency). This sequence change replaces leucine, which is neutral and non-polar, with proline, which is neutral and non-polar, at codon 1958 of the CEP290 protein (p.Leu1958Pro). Algorithms developed to predict the effect of missense changes on protein structure and function are either unavailable or do not agree on the potential impact of this missense change (SIFT: "Deleterious"; PolyPhen-2: "Possibly Damaging"; Align-GVGD: "Class C0"). In summary, the available evidence is currently insufficient to determine the role of this variant in disease. Therefore, it has been classified as a Variant of Uncertain Significance.